The following is an entry in ClinVar:

NM_004380.3(CREBBP):c.6111G>C (p.Arg2037Ser)

Gene: CREBBP (CREB binding protein; minus strand). Cytogenetic location: 16p13.3.
Variant type: single nucleotide variant.
Coding change: c.6111G>C on transcript NM_004380.3 (MANE Select); coding-DNA position 6111, G replaced by C.
Protein change: p.Arg2037Ser; replaces arginine 2037 with serine.
Molecular consequence: missense variant.
Genome position (GRCh38, 1-based): chr16:3,728,936, C>G on the plus strand (G>C on the coding strand, the complement: CREBBP is on the minus strand). VCF-style: chr16-3728936-C-G. GRCh37 (hg19) VCF-style: chr16-3778937-C-G.
Other names: c.5997G>C, p.Arg1999Ser (NM_001079846.1); short protein forms R1999S, R2037S.
Identifiers: ClinVar variation 1691020 (VCV001691020.2), dbSNP rs1158351339, ClinGen allele CA394554199.

ClinVar aggregate classification (germline): Uncertain significance (1 of 4 stars; one submission).

Allele frequency attached by ClinVar (database versions not stated): TOPMed below 0.00001.
gnomAD v4.1: 1 of 1,601,104 alleles (0.000062%); highest among the groups gnomAD compares: Middle Eastern, 0.017%; no homozygotes.

Submission:

Laboratorio de Genetica e Diagnostico Molecular, Hospital Israelita Albert Einstein
Classification: Uncertain significance. Last evaluated: 2021-04-06. Review status: criteria provided, single submitter. Criteria: ACMG Guidelines, 2015. Collection method: clinical testing. Allele origin: germline. Affected: yes.
Comment: ACMG classification criteria: PM2